The following is an entry in ClinVar:

ClinVar aggregate classification (germline): Uncertain significance. Review status: criteria provided, multiple submitters, no conflicts (2 of 4 stars). 2 submissions from 2 submitters: Uncertain significance (2). Last evaluated 2025-06-20.

Conditions:
TTN-related disorder. Also called: TTN-related condition; TTN-related disease; TTN-related disorders.

gnomAD v4.1: 105 of 1,613,082 alleles (0.0065%); highest among the groups gnomAD compares: Non-Finnish European, 0.0086%; no homozygotes.

Submissions (2):

PreventionGenetics, part of Exact Sciences
Classification: Uncertain significance for TTN-related condition. Last evaluated: 2025-06-20. Review status: criteria provided, single submitter. Criteria: ACMG Guidelines, 2015. Collection method: clinical testing. Allele origin: germline.
Comment: The TTN c.15839T>C variant is predicted to result in the amino acid substitution p.Val5280Ala. To our knowledge, this variant has not been reported in the literature. This variant is reported in 0.0027% of alleles in individuals of European (Non-Finnish) descent in gnomAD. At this time, the clinical significance of this variant is uncertain due to the absence of conclusive functional and genetic evidence.

GeneDx
Classification: Uncertain significance. Last evaluated: 2023-12-08. Review status: criteria provided, single submitter. Criteria: GeneDx Variant Classification Process June 2021. Collection method: clinical testing. Allele origin: germline. Affected: yes.
Comment: Not observed at significant frequency in large population cohorts (gnomAD); Has not been previously published as pathogenic or benign to our knowledge

NM_001267550.2(TTN):c.11312-4640T>C

Gene: TTN (titin; minus strand). Cytogenetic location: 2q31.2.
Variant type: single nucleotide variant.
Coding change: c.11312-4640T>C on transcript NM_001267550.2 (MANE Select); 4640 bases into the intron before coding-DNA position 11312, T replaced by C.
Molecular consequence: intron variant. On other transcripts: missense variant (1).
Genome position (GRCh38, 1-based): chr2:178,746,561, A>G on the plus strand (T>C on the coding strand, the complement: TTN is on the minus strand). VCF-style: chr2-178746561-A-G. GRCh37 (hg19) VCF-style: chr2-179611288-A-G.
Other names: c.15839T>C, p.Val5280Ala (NM_133379.5); c.10223-4640T>C (NM_003319.4); c.10799-4640T>C (NM_133437.4); c.10598-4640T>C (NM_133432.3); c.10360+6563T>C (NM_133378.4); c.10361-4640T>C (NM_001256850.1); short protein forms V5280A.
Identifiers: ClinVar variation 3341013 (VCV003341013.2).